The following is an entry in ClinVar:

NM_198253.3(TERT):c.421C>G (p.Leu141Val)

Gene: TERT (telomerase reverse transcriptase; minus strand). Cytogenetic location: 5p15.33.
Variant type: single nucleotide variant.
Coding change: c.421C>G on transcript NM_198253.3 (MANE Select); coding-DNA position 421, C replaced by G.
Protein change: p.Leu141Val; replaces leucine 141 with valine.
Molecular consequence: missense variant. On other transcripts: non-coding transcript variant (2).
Genome position (GRCh38, 1-based): chr5:1,294,465, G>C on the plus strand (C>G on the coding strand, the complement: TERT is on the minus strand). VCF-style: chr5-1294465-G-C. GRCh37 (hg19) VCF-style: chr5-1294580-G-C.
Other names: c.421C>G, p.Leu141Val (NM_001193376.3); short protein forms L141V.
Identifiers: ClinVar variation 1209163 (VCV001209163.5), dbSNP rs775225240, ClinGen allele CA359058066.

ClinVar aggregate classification (germline): Conflicting classifications of pathogenicity. Review status: criteria provided, conflicting classifications (1 of 4 stars). 2 submissions from 2 submitters: Likely pathogenic (1); Uncertain significance (1). Last evaluated 2022-01-28.

Conditions:
Dyskeratosis congenita. Identifiers: Orphanet 1775, MedGen C0265965, MONDO:0015780.

Submissions (2):

Ambry Genetics
Classification: Likely pathogenic for Dyskeratosis congenita. Last evaluated: 2022-01-28. Review status: criteria provided, single submitter. Criteria: Ambry Variant Classification Scheme 2023. Collection method: clinical testing. Allele origin: germline.
Comment: The p.L141V variant (also known as c.421C>G), located in coding exon 2 of the TERT gene, results from a C to G substitution at nucleotide position 421. The leucine at codon 141 is replaced by valine, an amino acid with highly similar properties. This alteration has been detected in multiple individuals with symptoms of telomere biology disorders (Ambry internal data). This variant is considered to be rare based on population cohorts in the Genome Aggregation Database (gnomAD). This missense alteration is located in a region that has a low rate of benign missense variation (Lek M et al. Nature. 2016 Aug 18;536(7616):285-91; DECIPHER: Database of Chromosomal Imbalance and Phenotype in Humans using Ensembl Resources. Firth H.V. et al. 2009. Am.J.Hum.Genet. 84, 524-533 (DOI)). This amino acid position is highly conserved through mammals but not in all available vertebrate species. In addition, the in silico prediction for this alteration is inconclusive. Based on the majority of available evidence to date, this variant is likely to be pathogenic.

GeneDx
Classification: Uncertain significance. Last evaluated: 2021-03-10. Review status: criteria provided, single submitter. Criteria: GeneDx Variant Classification Process June 2021. Collection method: clinical testing. Allele origin: germline. Affected: yes.
Comment: Not observed in large population cohorts (Lek et al., 2016); In silico analysis supports that this missense variant does not alter protein structure/function; Has not been previously published as pathogenic or benign to our knowledge